The following is an entry in ClinVar:

NM_174889.5(NDUFAF2):c.282_283del (p.His94fs)

Gene: NDUFAF2 (NADH:ubiquinone oxidoreductase complex assembly factor 2; plus strand). Cytogenetic location: 5q12.1.
Variant type: Microsatellite.
Coding change: c.282_283del on transcript NM_174889.5 (MANE Select); coding-DNA positions 282 to 283, 2 bases deleted (CA; older notation c.282_283delCA).
Protein change: p.His94fs; shifts the reading frame from histidine 94.
Molecular consequence: frameshift variant.
Genome position (GRCh38, 1-based): chr5:61,152,727-61,152,728, CA deleted; deleting any 2 consecutive bases within chr5:61,152,724-61,152,728 gives the same sequence; the c. name uses the placement nearest the transcript's 3' end. VCF-style (leftmost placement, unchanged base first): chr5-61152723-AAC-A. GRCh37 (hg19) VCF-style: chr5-60448550-AAC-A.
Other names: p.His94GlnfsTer13; c.282_283delCA (NM_174889.5); c.282_283del (NM_174889.4); short protein forms H94fs.
Identifiers: ClinVar variation 2637644 (VCV002637644.4), dbSNP rs767565052, ClinGen allele CA3278177.

ClinVar aggregate classification (germline): Uncertain significance. Review status: criteria provided, multiple submitters, no conflicts (2 of 4 stars). 4 submissions from 4 submitters: Uncertain significance (4). Last evaluated 2025-09-19.

Conditions:
Mitochondrial complex I deficiency, nuclear type 10. Also called: Mitochondrial complex 1 deficiency, nuclear type 10. Identifiers: MedGen C4748768, MONDO:0032616, OMIM 618233.

Submissions (4):

Foundation for Research in Genetics and Endocrinology, FRIGE's Institute of Human Genetics
Classification: Uncertain significance for Mitochondrial complex I deficiency, nuclear type 10. Last evaluated: 2025-09-19. Review status: criteria provided, single submitter. Criteria: ACMG Guidelines, 2015. Collection method: clinical testing. Allele origin: germline. Inheritance: Autosomal recessive inheritance. Affected: yes. Observed: 1 variant allele, 1 homozygote.
Comment: A homozygous two base pair deletion in exon 4 of the NDUFAF2 gene that results in a frameshift and premature truncation of the protein 13 amino acids downstream to codon 94 was detected. This variant c.282_283delCA has not been reported in the 1000 genomes and has a minor allele frequency of 0.0032% in the gnomAD database. The in-silico prediction of the variant is deleterious by MutationTaster2. In summary the variant meets our criteria to be classified as a variant of uncertain significance.

GeneDx
Classification: Uncertain significance. Last evaluated: 2024-09-17. Review status: criteria provided, single submitter. Criteria: GeneDx Variant Classification Process June 2021. Collection method: clinical testing. Allele origin: germline. Affected: yes.
Comment: Has not been previously published as pathogenic or benign to our knowledge; Frameshift variant predicted to result in abnormal protein length as the last 76 amino acids are replaced with 12 different amino acids with an unclear effect on protein function

Women's Health and Genetics/Laboratory Corporation of America, LabCorp
Classification: Uncertain significance. Last evaluated: 2023-10-09. Review status: criteria provided, single submitter. Criteria: LabCorp Variant Classification Summary - May 2015. Collection method: clinical testing. Allele origin: germline.
Comment: Variant summary: NDUFAF2 c.282_283delCA (p.His94GlnfsX13) results in a premature termination codon in exon 4 (i.e. the last exon) that is not expected to cause nonsense mediated decay (NMD), but is predicted to cause a truncation of the encoded protein, removing a large part of the 169 amino acid long protein, however no conserved domains are annotated in the deleted region (InterPro, UniProt). No variants downstream of this position have been reported in affected individuals (HGMD). The variant allele was found at a frequency of 3.8e-05 in 208440 control chromosomes (gnomAD). To our knowledge, no occurrence of c.282_283delCA in individuals affected with Leigh Syndrome and no experimental evidence demonstrating its impact on protein function have been reported. A truncation upstream from our variant (i.e. c.221G>A (p.Trp74X)) was reported in a homozygous patient who had a milder, late onset phenotype, implying a partially functional protein (PMID 34234304). No submitters have cited clinical-significance assessments for this variant to ClinVar after 2014. Based on the evidence outlined above, the variant was classified as uncertain significance.

Blueprint Genetics
Classification: Uncertain significance. Last evaluated: 2022-08-22. Review status: criteria provided, single submitter. Criteria: ACMG Guidelines, 2015. Collection method: clinical testing. Allele origin: germline.